The following is an entry in ClinVar:

NM_001943.5(DSG2):c.920T>G (p.Leu307Arg)

Gene: DSG2 (desmoglein 2; plus strand). Cytogenetic location: 18q12.1.
Variant type: single nucleotide variant.
Coding change: c.920T>G on transcript NM_001943.5 (MANE Select); coding-DNA position 920, T replaced by G.
Protein change: p.Leu307Arg; replaces leucine 307 with arginine.
Molecular consequence: missense variant.
Genome position (GRCh38, 1-based): chr18:31,524,794, T>G. VCF-style: chr18-31524794-T-G. GRCh37 (hg19) VCF-style: chr18-29104757-T-G.
Other names: short protein forms L307R.
Identifiers: ClinVar variation 2444691 (VCV002444691.4), dbSNP rs1210654212, ClinGen allele CA402135666.

ClinVar aggregate classification (germline): Uncertain significance. Review status: criteria provided, multiple submitters, no conflicts (2 of 4 stars). 2 submissions from 2 submitters: Uncertain significance (2). Last evaluated 2022-12-12.

Conditions:
Arrhythmogenic right ventricular dysplasia 10. Also called: ARRHYTHMOGENIC RIGHT VENTRICULAR DYSPLASIA, FAMILIAL, 10; Arrhythmogenic Right Ventricular Dysplasia/Cardiomyopathy10; Arrhythmogenic right ventricular dysplasia/cardiomyopathy, type 10. Identifiers: MedGen C1857777, MONDO:0012434, OMIM 610193.

Submissions (2):

Labcorp Genetics (formerly Invitae), Labcorp
Classification: Uncertain significance for Arrhythmogenic right ventricular dysplasia 10. Last evaluated: 2022-12-12. Review status: criteria provided, single submitter. Criteria: Invitae Variant Classification Sherloc (09022015). Collection method: clinical testing. Allele origin: germline.
Comment: Advanced modeling of protein sequence and biophysical properties (such as structural, functional, and spatial information, amino acid conservation, physicochemical variation, residue mobility, and thermodynamic stability) performed at Invitae indicates that this missense variant is not expected to disrupt DSG2 protein function. In summary, the available evidence is currently insufficient to determine the role of this variant in disease. Therefore, it has been classified as a Variant of Uncertain Significance. This sequence change replaces leucine, which is neutral and non-polar, with arginine, which is basic and polar, at codon 307 of the DSG2 protein (p.Leu307Arg). This variant is not present in population databases (gnomAD no frequency). This variant has not been reported in the literature in individuals affected with DSG2-related conditions.

GeneDx
Classification: Uncertain significance. Last evaluated: 2022-09-14. Review status: criteria provided, single submitter. Criteria: GeneDx Variant Classification Process June 2021. Collection method: clinical testing. Allele origin: germline. Affected: yes.
Comment: Has not been previously published as pathogenic or benign to our knowledge; Not observed at significant frequency in large population cohorts (gnomAD); In silico analysis supports that this missense variant has a deleterious effect on protein structure/function